The following is an entry in ClinVar:

ClinVar aggregate classification (germline): Conflicting classifications of pathogenicity. Review status: criteria provided, conflicting classifications (1 of 4 stars). 7 submissions from 7 submitters: Pathogenic (2); Likely pathogenic (4); Uncertain significance (1). Last evaluated 2026-03-01.

Conditions:
Medium-chain acyl-coenzyme A dehydrogenase deficiency (ACADMD). Also called: MCAD Deficiency; MCADD; CARNITINE DEFICIENCY SECONDARY TO MEDIUM-CHAIN ACYL-CoA DEHYDROGENASE DEFICIENCY; ACADM DEFICIENCY; Medium chain acyl-CoA dehydrogenase deficiency; MCADH DEFICIENCY. Identifiers: Orphanet 42, MedGen C0220710, MONDO:0008721, OMIM 201450.

Allele frequency attached by ClinVar (database versions not stated): gnomAD exomes below 0.00001.
gnomAD v4.1: 4 of 1,608,568 alleles (0.00025%); highest among the groups gnomAD compares: African/African-American, 0.0013%; no homozygotes.

Submissions (7):

Myriad Genetics, Inc.
Classification: Uncertain significance for Medium-chain acyl-coenzyme A dehydrogenase deficiency. Last evaluated: 2026-03-01. Review status: criteria provided, single submitter. Criteria: Myriad Autosomal Dominant, Autosomal Recessive and X-Linked Classification Criteria (2023). Collection method: clinical testing. Allele origin: unknown.
Comment: NM_000016.4(ACADM):c.1229T>C(I410T) is a missense variant classified as a variant of uncertain significance in the context of medium-chain acyl-CoA dehydrogenase deficiency. I410T has been observed in cases with relevant disease (PMID: 31012112, 33841490, 32304307, 36096209). Relevant functional assessments of this variant are not available in the literature. I410T has not been observed in referenced population frequency databases. In summary, there is insufficient evidence to classify NM_000016.4(ACADM):c.1229T>C(I410T) as pathogenic or benign. Please note: this variant was assessed in the context of healthy population screening.

Natera, Inc.
Classification: Likely pathogenic for Medium Chain Acyl-CoA Dehydrogenase Deficiency. Last evaluated: 2025-02-03. Review status: criteria provided, single submitter. Criteria: Natera Variant Classification Schema (03/2026). Collection method: clinical testing. Allele origin: germline.
Comment: The c.1229T>C variant in ACADM is a missense variant predicted to cause substitution of isoleucine to threonine at amino acid 410. This variant is rare in the general population with a frequency below the threshold expected for the associated phenotype(s). This variant has been observed in one or more individuals affected with the associated recessive disease, as either homozygous or compound heterozygous with a second variant (PMID: 31012112, 36096209). This variant has been identified in one or more affected individuals with a phenotype highly consistent with the associated gene (PMID: 31012112, 36096209). Computational prediction algorithms indicate this variant is likely to affect gene or protein function. Given the available evidence, this variant is classified as Likely Pathogenic.

Labcorp Genetics (formerly Invitae), Labcorp
Classification: Pathogenic for Medium-chain acyl-coenzyme A dehydrogenase deficiency. Last evaluated: 2024-07-25. Review status: criteria provided, single submitter. Criteria: Invitae Variant Classification Sherloc (09022015). Collection method: clinical testing. Allele origin: germline.
Comment: This sequence change replaces isoleucine, which is neutral and non-polar, with threonine, which is neutral and polar, at codon 410 of the ACADM protein (p.Ile410Thr). This variant is present in population databases (no rsID available, gnomAD 0.01%). This missense change has been observed in individual(s) with clinical features of MCAD deficiency and/or MCAD deficiency (PMID: 31012112; Invitae). In at least one individual the data is consistent with being in trans (on the opposite chromosome) from a pathogenic variant. ClinVar contains an entry for this variant (Variation ID: 1477017). Advanced modeling of protein sequence and biophysical properties (such as structural, functional, and spatial information, amino acid conservation, physicochemical variation, residue mobility, and thermodynamic stability) has been performed at Invitae for this missense variant, however the output from this modeling did not meet the statistical confidence thresholds required to predict the impact of this variant on ACADM protein function. This variant disrupts the p.Ile410 amino acid residue in ACADM. Other variant(s) that disrupt this residue have been observed in individuals with ACADM-related conditions (PMID: 23028790), which suggests that this may be a clinically significant amino acid residue. For these reasons, this variant has been classified as Pathogenic.

Fulgent Genetics
Classification: Likely pathogenic for Medium-chain acyl-coenzyme A dehydrogenase deficiency. Last evaluated: 2024-06-18. Review status: criteria provided, single submitter. Criteria: ACMG Guidelines, 2015. Collection method: clinical testing. Allele origin: germline.

Women's Health and Genetics/Laboratory Corporation of America, LabCorp
Classification: Likely pathogenic for Medium-chain acyl-coenzyme A dehydrogenase deficiency. Last evaluated: 2023-07-05. Review status: criteria provided, single submitter. Criteria: LabCorp Variant Classification Summary - May 2015. Collection method: clinical testing. Allele origin: germline.
Comment: Variant summary: ACADM c.1229T>C (p.Ile410Thr) results in a non-conservative amino acid change located in the Acyl-CoA dehydrogenase/oxidase, C-terminal domain (IPR009075) of the encoded protein sequence. Five of five in-silico tools predict a damaging effect of the variant on protein function. The variant was absent in 250148 control chromosomes (gnomAD). c.1229T>C has been reported in the literature in individuals affected with Medium Chain Acyl-CoA Dehydrogenase Deficiency (examples: Jager_2019,Yang_2020, Gong_2021, Tian_2022, and Li_2022). These data indicate that the variant is likely to be associated with disease. To our knowledge, no experimental evidence demonstrating an impact on protein function has been reported. The following publications have been ascertained in the context of this evaluation (PMID: 33841490, 31012112, 36068006, 36096209, 32304307). One submitter has cited clinical-significance assessments for this variant to ClinVar after 2014 and has classified the variant as pathogenic. Based on the evidence outlined above, the variant was classified as likely pathogenic.

Baylor Genetics
Classification: Likely pathogenic for Medium-chain acyl-coenzyme A dehydrogenase deficiency. Last evaluated: 2022-02-22. Review status: criteria provided, single submitter. Criteria: ACMG Guidelines, 2015. Collection method: clinical testing. Allele origin: unknown.

Juno Genomics, Hangzhou Juno Genomics, Inc
Classification: Pathogenic for Medium-chain acyl-coenzyme A dehydrogenase deficiency. Review status: criteria provided, single submitter. Criteria: ACMG Guidelines, 2015. Collection method: clinical testing. Allele origin: germline.
Comment: Absent from controls (or at extremely low frequency if recessive) in Genome Aggregation Database.;Multiple lines of computational evidence support a deleterious effect on the gene or gene product.;For recessive disorders, detected in trans with a pathogenic variant.;Patient's phenotype or family history is highly specific for a disease with a single genetic etiology.

Literature cited by the submitters: PubMed 31012112 (cited by 4 submitters); PubMed 32304307 (cited by Myriad Genetics, Inc. and Women's Health and Genetics/Laboratory Corporation of America, LabCorp); PubMed 33841490 (cited by Myriad Genetics, Inc. and Women's Health and Genetics/Laboratory Corporation of America, LabCorp); PubMed 36096209 (cited by 3 submitters); PubMed 23028790 (cited by Labcorp Genetics (formerly Invitae), Labcorp); PubMed 36068006 (cited by Women's Health and Genetics/Laboratory Corporation of America, LabCorp).

NM_000016.6(ACADM):c.1229T>C (p.Ile410Thr)

Gene: ACADM (acyl-CoA dehydrogenase medium chain; plus strand). Cytogenetic location: 1p31.1.
Variant type: single nucleotide variant.
Coding change: c.1229T>C on transcript NM_000016.6 (MANE Select); coding-DNA position 1229, T replaced by C.
Protein change: p.Ile410Thr; replaces isoleucine 410 with threonine.
Molecular consequence: missense variant.
Genome position (GRCh38, 1-based): chr1:75,762,726, T>C. VCF-style: chr1-75762726-T-C. GRCh37 (hg19) VCF-style: chr1-76228411-T-C.
Other names: c.1229T>C (NM_000016.5); c.1241T>C, p.Ile414Thr (NM_001127328.3); c.1121T>C, p.Ile374Thr (NM_001286042.2); c.1328T>C, p.Ile443Thr (NM_001286043.2); c.662T>C, p.Ile221Thr (NM_001286044.2); short protein forms I374T, I410T, I414T, I221T, I443T.
Identifiers: ClinVar variation 1477017 (VCV001477017.14), dbSNP rs1361089796, ClinGen allele CA340818463.